The following is an entry in ClinVar:

NM_017988.6(SCYL2):c.852+7G>A

Gene: SCYL2 (SCY1 like pseudokinase 2; plus strand). Cytogenetic location: 12q23.1.
Variant type: single nucleotide variant.
Coding change: c.852+7G>A on transcript NM_017988.6 (MANE Select); 7 bases into the intron after coding-DNA position 852, G replaced by A.
Molecular consequence: intron variant.
Genome position (GRCh38, 1-based): chr12:100,312,660, G>A. VCF-style: chr12-100312660-G-A. GRCh37 (hg19) VCF-style: chr12-100706438-G-A.
Other names: c.852+7G>A (NM_001330253.2, NM_001330254.2, NM_001317784.2); c.333+7G>A (NM_001330256.2).
Identifiers: ClinVar variation 4991226 (VCV004991226.1).

ClinVar aggregate classification (germline): Likely benign (1 of 4 stars; one submission).

Conditions:
SCYL2-related disorder. Also called: SCYL2-related condition.

gnomAD v4.1: 4 of 1,585,850 alleles (0.00025%); highest among the groups gnomAD compares: African/African-American, 0.0027%; no homozygotes.

Submission:

PreventionGenetics, part of Exact Sciences
Classification: Likely benign for SCYL2-related condition. Last evaluated: 2026-01-30. Review status: criteria provided, single submitter. Criteria: ACMG Guidelines, 2015. Collection method: clinical testing. Allele origin: germline.
Comment: This variant is classified as likely benign based on ACMG/AMP sequence variant interpretation guidelines (Richards et al. 2015 PMID: 25741868, with internal and published modifications).